The following is an entry in ClinVar:

NM_152743.4(BRAT1):c.1099C>T (p.Arg367Cys)

Gene: BRAT1 (BRCA1 associated ATM activator 1; minus strand). Cytogenetic location: 7p22.3.
Variant type: single nucleotide variant.
Coding change: c.1099C>T on transcript NM_152743.4 (MANE Select); coding-DNA position 1099, C replaced by T.
Protein change: p.Arg367Cys; replaces arginine 367 with cysteine.
Molecular consequence: missense variant. On other transcripts: non-coding transcript variant (1).
Genome position (GRCh38, 1-based): chr7:2,541,753, G>A on the plus strand (C>T on the coding strand, the complement: BRAT1 is on the minus strand). VCF-style: chr7-2541753-G-A. GRCh37 (hg19) VCF-style: chr7-2581387-G-A.
Other names: c.1099C>T, p.Arg367Cys (NM_001350626.2); c.574C>T, p.Arg192Cys (NM_001350627.2); short protein forms R367C, R192C.
Identifiers: ClinVar variation 575093 (VCV000575093.8), dbSNP rs139472984, ClinGen allele CA4127935.

ClinVar aggregate classification (germline): Uncertain significance. Review status: criteria provided, multiple submitters, no conflicts (2 of 4 stars). 2 submissions from 2 submitters: Uncertain significance (2). Last evaluated 2025-06-24.

Conditions:
Neonatal-onset encephalopathy with rigidity and seizures. Also called: Lethal neonatal spasticity-epileptic encephalopathy syndrome. Identifiers: Orphanet 435845, MedGen C3281029, MONDO:0013784, OMIM 614498.

Allele frequency attached by ClinVar (database versions not stated): ESP Exome Variant Server 0.00015; gnomAD 0.00004 and 0.00003; TOPMed 0.00006.
gnomAD v4.1: 25 of 1,611,460 alleles (0.0016%); highest among the groups gnomAD compares: East Asian, 0.0045%; no homozygotes.

Submissions (2):

GeneDx
Classification: Uncertain significance. Last evaluated: 2025-06-24. Review status: criteria provided, single submitter. Criteria: GeneDx Variant Classification Process June 2021. Collection method: clinical testing. Allele origin: germline. Affected: yes.
Comment: Not observed at significant frequency in large population cohorts (gnomAD); In silico analysis supports that this missense variant has a deleterious effect on protein structure/function; Has not been previously published as pathogenic or benign to our knowledge

Labcorp Genetics (formerly Invitae), Labcorp
Classification: Uncertain significance for Neonatal-onset encephalopathy with rigidity and seizures. Last evaluated: 2022-07-26. Review status: criteria provided, single submitter. Criteria: Invitae Variant Classification Sherloc (09022015). Collection method: clinical testing. Allele origin: germline.
Comment: This sequence change replaces arginine, which is basic and polar, with cysteine, which is neutral and slightly polar, at codon 367 of the BRAT1 protein (p.Arg367Cys). This variant is present in population databases (rs139472984, gnomAD 0.005%). This variant has not been reported in the literature in individuals affected with BRAT1-related conditions. ClinVar contains an entry for this variant (Variation ID: 575093). Algorithms developed to predict the effect of missense changes on protein structure and function output the following: SIFT: "Deleterious"; PolyPhen-2: "Benign"; Align-GVGD: "Class C15". The cysteine amino acid residue is found in multiple mammalian species, which suggests that this missense change does not adversely affect protein function. In summary, the available evidence is currently insufficient to determine the role of this variant in disease. Therefore, it has been classified as a Variant of Uncertain Significance.